The following is an entry in ClinVar:

ClinVar aggregate classification (germline): Uncertain significance (1 of 4 stars; one submission).

Conditions:
Intellectual developmental disorder, autosomal dominant 1. Also called: MBD5 Haploinsufficiency; Intellectual disability, autosomal dominant 1. Identifiers: Orphanet 228402, MedGen C1969562, MONDO:0007974, OMIM 156200.

Allele frequency attached by ClinVar (database versions not stated): gnomAD exomes below 0.00001.
gnomAD v4.1: 1 of 1,614,188 alleles (0.000062%); highest among the groups gnomAD compares: Non-Finnish European, 0.000085%; no homozygotes.

Submission:

Labcorp Genetics (formerly Invitae), Labcorp
Classification: Uncertain significance for Intellectual developmental disorder, autosomal dominant 1. Last evaluated: 2024-03-09. Review status: criteria provided, single submitter. Criteria: Invitae Variant Classification Sherloc (09022015). Collection method: clinical testing. Allele origin: germline.
Comment: This sequence change replaces valine, which is neutral and non-polar, with isoleucine, which is neutral and non-polar, at codon 1143 of the MBD5 protein (p.Val1143Ile). This variant is present in population databases (no rsID available, gnomAD 0.0009%). This variant has not been reported in the literature in individuals affected with MBD5-related conditions. Experimental studies and prediction algorithms are not available or were not evaluated, and the functional significance of this variant is currently unknown. In summary, the available evidence is currently insufficient to determine the role of this variant in disease. Therefore, it has been classified as a Variant of Uncertain Significance.

NM_001378120.1(MBD5):c.4126G>A (p.Val1376Ile)

Gene: MBD5 (methyl-CpG binding domain protein 5; plus strand). Cytogenetic location: 2q23.1.
Variant type: single nucleotide variant.
Coding change: c.4126G>A on transcript NM_001378120.1 (MANE Select); coding-DNA position 4126, G replaced by A.
Protein change: p.Val1376Ile; replaces valine 1376 with isoleucine.
Molecular consequence: missense variant.
Genome position (GRCh38, 1-based): chr2:148,489,758, G>A. VCF-style: chr2-148489758-G-A. GRCh37 (hg19) VCF-style: chr2-149247327-G-A.
Other names: c.3427G>A, p.Val1143Ile (NM_018328.5); short protein forms V1376I, V1143I.
Identifiers: ClinVar variation 2792942 (VCV002792942.3), dbSNP rs1356614547, ClinGen allele CA348728075.